The following is an entry in ClinVar:

ClinVar aggregate classification (germline): Uncertain significance. Review status: criteria provided, single submitter (1 of 4 stars). 3 submissions from 3 submitters: Uncertain significance (1). 2 of the submissions do not count toward it. Last evaluated 2025-10-04.

Allele frequency attached by ClinVar (database versions not stated): gnomAD 0.00005 and 0.00006; TOPMed 0.00005; gnomAD exomes 0.00006; ExAC 0.00011.
gnomAD v4.1: 144 of 1,614,068 alleles (0.0089%); highest among the groups gnomAD compares: Non-Finnish European, 0.012%; no homozygotes.

Submissions (3):

Labcorp Genetics (formerly Invitae), Labcorp
Classification: Uncertain significance. Last evaluated: 2025-10-04. Review status: criteria provided, single submitter. Criteria: Invitae Variant Classification Sherloc (09022015). Collection method: clinical testing. Allele origin: germline.
Comment: This sequence change replaces isoleucine, which is neutral and non-polar, with leucine, which is neutral and non-polar, at codon 379 of the SMOC1 protein (p.Ile379Leu). This variant is present in population databases (rs766710070, gnomAD 0.01%). This variant has not been reported in the literature in individuals affected with SMOC1-related conditions. ClinVar contains an entry for this variant (Variation ID: 1206252). Invitae Evidence Modeling of protein sequence and biophysical properties (such as structural, functional, and spatial information, amino acid conservation, physicochemical variation, residue mobility, and thermodynamic stability) indicates that this missense variant is not expected to disrupt SMOC1 protein function with a negative predictive value of 80%. In summary, the available evidence is currently insufficient to determine the role of this variant in disease. Therefore, it has been classified as a Variant of Uncertain Significance.

Clinical Genetics DNA and cytogenetics Diagnostics Lab, Erasmus MC, Erasmus Medical Center
Classification: Uncertain significance. Review status: no assertion criteria provided. Collection method: clinical testing. Allele origin: germline. Affected: yes. Study: VKGL Data-share Consensus. Not counted in ClinVar's aggregate classification.

Laboratory of Diagnostic Genome Analysis, Leiden University Medical Center (LUMC)
Classification: Uncertain significance. Review status: no assertion criteria provided. Collection method: clinical testing. Allele origin: germline. Affected: yes. Study: VKGL Data-share Consensus. Not counted in ClinVar's aggregate classification.

NM_001034852.3(SMOC1):c.1135A>C (p.Ile379Leu)

Gene: SMOC1 (SPARC related modular calcium binding 1; plus strand). Cytogenetic location: 14q24.2.
Variant type: single nucleotide variant.
Coding change: c.1135A>C on transcript NM_001034852.3 (MANE Select); coding-DNA position 1135, A replaced by C.
Protein change: p.Ile379Leu; replaces isoleucine 379 with leucine.
Molecular consequence: missense variant.
Genome position (GRCh38, 1-based): chr14:70,023,291, A>C. VCF-style: chr14-70023291-A-C. GRCh37 (hg19) VCF-style: chr14-70490008-A-C.
Other names: c.1135A>C, p.Ile379Leu (NM_022137.6); short protein forms I379L.
Identifiers: ClinVar variation 1206252 (VCV001206252.3), dbSNP rs766710070, ClinGen allele CA7246732.